The following is an entry in ClinVar:

NM_004329.3(BMPR1A):c.629T>C (p.Ile210Thr)

Gene: BMPR1A (bone morphogenetic protein receptor type 1A; plus strand). Cytogenetic location: 10q23.2.
Variant type: single nucleotide variant.
Coding change: c.629T>C on transcript NM_004329.3 (MANE Select); coding-DNA position 629, T replaced by C.
Protein change: p.Ile210Thr; replaces isoleucine 210 with threonine.
Molecular consequence: missense variant.
Genome position (GRCh38, 1-based): chr10:86,912,338, T>C. VCF-style: chr10-86912338-T-C. GRCh37 (hg19) VCF-style: chr10-88672095-T-C.
Other names: p.I210T:ATT>ACT; short protein forms I210T.
Identifiers: ClinVar variation 182066 (VCV000182066.23), dbSNP rs730881432, ClinGen allele CA298511.

ClinVar aggregate classification (germline): Uncertain significance. Review status: criteria provided, multiple submitters, no conflicts (2 of 4 stars). 5 submissions from 5 submitters: Uncertain significance (5). Last evaluated 2025-10-29.

Conditions:
Juvenile polyposis syndrome (JPS). Identifiers: Orphanet 2929, MedGen C0345893, MONDO:0017380, OMIM 174900.
Hereditary cancer-predisposing syndrome. Also called: Tumor predisposition; Hereditary Cancer Syndrome; Hereditary neoplastic syndrome; Neoplastic Syndromes, Hereditary. Identifiers: Orphanet 140162, MedGen C0027672, MeSH D009386, MONDO:0015356.

Allele frequency attached by ClinVar (database versions not stated): gnomAD exomes below 0.00001; TOPMed below 0.00001; ExAC 0.00001.
gnomAD v4.1: 3 of 1,614,058 alleles (0.00019%); highest among the groups gnomAD compares: South Asian, 0.0011%; no homozygotes.

Submissions (5):

Labcorp Genetics (formerly Invitae), Labcorp
Classification: Uncertain significance for Juvenile polyposis syndrome. Last evaluated: 2025-10-29. Review status: criteria provided, single submitter. Criteria: Invitae Variant Classification Sherloc (09022015). Collection method: clinical testing. Allele origin: germline.
Comment: This sequence change replaces isoleucine, which is neutral and non-polar, with threonine, which is neutral and polar, at codon 210 of the BMPR1A protein (p.Ile210Thr). This variant is present in population databases (rs730881432, gnomAD 0.0009%). This variant has not been reported in the literature in individuals affected with BMPR1A-related conditions. ClinVar contains an entry for this variant (Variation ID: 182066). Invitae Evidence Modeling incorporating data from in vitro experimental studies (internal data) indicates that this missense variant is not expected to disrupt BMPR1A function with a negative predictive value of 95%. In summary, the available evidence is currently insufficient to determine the role of this variant in disease. Therefore, it has been classified as a Variant of Uncertain Significance.

GeneDx
Classification: Uncertain significance. Last evaluated: 2024-08-27. Review status: criteria provided, single submitter. Criteria: GeneDx Variant Classification Process June 2021. Collection method: clinical testing. Allele origin: germline. Affected: yes.
Comment: Not observed at significant frequency in large population cohorts (gnomAD); In silico analysis supports that this missense variant has a deleterious effect on protein structure/function; Observed in an individual with melanoma (PMID: 32459922); This variant is associated with the following publications: (PMID: 35300216, 9759503, 23433720, 32459922)

Ambry Genetics
Classification: Uncertain significance for Hereditary cancer-predisposing syndrome. Last evaluated: 2024-05-08. Review status: criteria provided, single submitter. Criteria: Ambry Variant Classification Scheme 2023. Collection method: clinical testing. Allele origin: germline.
Comment: The p.I210T variant (also known as c.629T>C), located in coding exon 6 of the BMPR1A gene, results from a T to C substitution at nucleotide position 629. The isoleucine at codon 210 is replaced by threonine, an amino acid with similar properties. This amino acid position is highly conserved in available vertebrate species. In addition, this alteration is predicted to be deleterious by in silico analysis. Based on the available evidence, the clinical significance of this variant remains unclear.

All of Us Research Program, National Institutes of Health
Classification: Uncertain significance for Juvenile polyposis syndrome. Last evaluated: 2024-01-03. Review status: criteria provided, single submitter. Criteria: ACMG Guidelines, 2015. Collection method: clinical testing. Allele origin: germline. Inheritance: Autosomal dominant inheritance. Observed: 1 variant allele, 1 heterozygote.
Comment: This missense variant replaces isoleucine with threonine at codon 210 of the BMPR1A protein. Computational prediction suggests that this variant may have deleterious impact on protein structure and function (internally defined REVEL score threshold >= 0.7, PMID: 27666373). To our knowledge, functional studies have not been reported for this variant. This variant has not been reported in individuals affected with BMPR1A-related disorders in the literature. This variant has been identified in 1/251350 chromosomes in the general population by the Genome Aggregation Database (gnomAD). The available evidence is insufficient to determine the role of this variant in disease conclusively. Therefore, this variant is classified as a Variant of Uncertain Significance.

This study involves interpretation of variants in research participants for the purpose of population health screening. Participant phenotype was not available at the time of variant classification. Additional details can be found in publication PMID: 35346344, PMCID: PMC8962531

Color Diagnostics, LLC DBA Color Health
Classification: Uncertain significance for Hereditary cancer-predisposing syndrome. Last evaluated: 2023-11-24. Review status: criteria provided, single submitter. Criteria: ACMG Guidelines, 2015. Collection method: clinical testing. Allele origin: germline.
Comment: This missense variant replaces isoleucine with threonine at codon 210 of the BMPR1A protein. Computational prediction suggests that this variant may have deleterious impact on protein structure and function (internally defined REVEL score threshold >= 0.7, PMID: 27666373). To our knowledge, functional studies have not been reported for this variant. This variant has not been reported in individuals affected with BMPR1A-related disorders in the literature. This variant has been identified in 1/251350 chromosomes in the general population by the Genome Aggregation Database (gnomAD). The available evidence is insufficient to determine the role of this variant in disease conclusively. Therefore, this variant is classified as a Variant of Uncertain Significance.